The following is an entry in ClinVar:

ClinVar aggregate classification (germline): Likely benign. Review status: criteria provided, multiple submitters, no conflicts (2 of 4 stars). 2 submissions from 2 submitters: Likely benign (2). Last evaluated 2025-03-07.

Conditions:
EYS-related disorder. Also called: EYS-related condition.

Allele frequency attached by ClinVar (database versions not stated): TOPMed 0.00002; gnomAD exomes 0.00003; gnomAD 0.00004 and 0.00005; 1000 Genomes Project 30x 0.00062.
gnomAD v4.1: 51 of 1,503,324 alleles (0.0034%); highest among the groups gnomAD compares: Non-Finnish European, 0.0044%; no homozygotes.

Submissions (2):

PreventionGenetics, part of Exact Sciences
Classification: Likely benign for EYS-related condition. Last evaluated: 2025-03-07. Review status: criteria provided, single submitter. Criteria: ACMG Guidelines, 2015. Collection method: clinical testing. Allele origin: germline.
Comment: This variant is classified as likely benign based on ACMG/AMP sequence variant interpretation guidelines (Richards et al. 2015 PMID: 25741868, with internal and published modifications).

Labcorp Genetics (formerly Invitae), Labcorp
Classification: Likely benign. Last evaluated: 2024-03-04. Review status: criteria provided, single submitter. Criteria: Invitae Variant Classification Sherloc (09022015). Collection method: clinical testing. Allele origin: germline.

NM_001142800.2(EYS):c.5766T>C (p.Tyr1922=)

Gene: EYS (EGF-like photoreceptor maintenance factor; minus strand). Cytogenetic location: 6q12.
Variant type: single nucleotide variant.
Coding change: c.5766T>C on transcript NM_001142800.2 (MANE Select); coding-DNA position 5766, T replaced by C.
Protein change: p.Tyr1922=; no amino-acid change (tyrosine 1922 retained).
Molecular consequence: synonymous variant.
Genome position (GRCh38, 1-based): chr6:64,439,231, A>G on the plus strand (T>C on the coding strand, the complement: EYS is on the minus strand). VCF-style: chr6-64439231-A-G. GRCh37 (hg19) VCF-style: chr6-65149124-A-G.
Other names: c.5766T>C, p.Tyr1922= (NM_001292009.2).
Identifiers: ClinVar variation 752383 (VCV000752383.10), dbSNP rs111663949, ClinGen allele CA140322077.